The following is an entry in ClinVar:

NM_000264.5(PTCH1):c.3987G>A (p.Gly1329=)

Gene: PTCH1 (patched 1; minus strand). Cytogenetic location: 9q22.32.
Variant type: single nucleotide variant.
Coding change: c.3987G>A on transcript NM_000264.5 (MANE Select); coding-DNA position 3987, G replaced by A.
Protein change: p.Gly1329=; no amino-acid change (glycine 1329 retained).
Molecular consequence: synonymous variant. On other transcripts: non-coding transcript variant (1).
Genome position (GRCh38, 1-based): chr9:95,447,269, C>T on the plus strand (G>A on the coding strand, the complement: PTCH1 is on the minus strand). VCF-style: chr9-95447269-C-T. GRCh37 (hg19) VCF-style: chr9-98209551-C-T.
Other names: c.3987G>A (NM_000264.3); c.3789G>A, p.Gly1263= (NM_001083602.3); c.3984G>A, p.Gly1328= (NM_001083603.3); c.3534G>A, p.Gly1178= (NM_001083604.3, NM_001083605.3, NM_001083606.3 and 1 more transcripts); c.3831G>A, p.Gly1277= (NM_001354918.2).
Identifiers: ClinVar variation 1137987 (VCV001137987.12), dbSNP rs539319573, ClinGen allele CA5137987.

ClinVar aggregate classification (germline): Conflicting classifications of pathogenicity. Review status: criteria provided, conflicting classifications (1 of 4 stars). 3 submissions from 3 submitters: Uncertain significance (1); Likely benign (2). Last evaluated 2025-12-08.

Conditions:
Hereditary cancer-predisposing syndrome. Also called: Neoplastic Syndromes, Hereditary; Hereditary neoplastic syndrome; Tumor predisposition; Hereditary Cancer Syndrome. Identifiers: Orphanet 140162, MedGen C0027672, MeSH D009386, MONDO:0015356.
Gorlin syndrome. Also called: Nevoid Basal Cell Carcinoma Syndrome; Basal cell nevus syndrome. Identifiers: Orphanet 377, MedGen C0004779, MONDO:0007187.

Allele frequency attached by ClinVar (database versions not stated): ExAC 0.00001; gnomAD 0.00001; gnomAD exomes 0.00001 and 0.00002; 1000 Genomes Project 30x 0.00016; 1000 Genomes Project 0.00020.
gnomAD v4.1: 4 of 1,613,012 alleles (0.00025%); highest among the groups gnomAD compares: East Asian, 0.0067%; no homozygotes.

Submissions (3):

Labcorp Genetics (formerly Invitae), Labcorp
Classification: Likely benign for Gorlin syndrome. Last evaluated: 2025-12-08. Review status: criteria provided, single submitter. Criteria: Invitae Variant Classification Sherloc (09022015). Collection method: clinical testing. Allele origin: germline.

Ambry Genetics
Classification: Likely benign for Hereditary cancer-predisposing syndrome. Last evaluated: 2023-05-19. Review status: criteria provided, single submitter. Criteria: Ambry Variant Classification Scheme 2023. Collection method: clinical testing. Allele origin: germline.

GeneDx
Classification: Uncertain significance. Last evaluated: 2023-05-08. Review status: criteria provided, single submitter. Criteria: GeneDx Variant Classification Process June 2021. Collection method: clinical testing. Allele origin: germline. Affected: yes.
Comment: In silico analysis supports that this variant does not alter splicing; Has not been previously published as pathogenic or benign to our knowledge